The following is an entry in ClinVar:

ClinVar aggregate classification (germline): Uncertain significance (1 of 4 stars; one submission).

Conditions:
Hereditary cancer-predisposing syndrome. Also called: Hereditary Cancer Syndrome; Hereditary neoplastic syndrome; Tumor predisposition; Neoplastic Syndromes, Hereditary. Identifiers: Orphanet 140162, MedGen C0027672, MeSH D009386, MONDO:0015356.

Allele frequency attached by ClinVar (database versions not stated): gnomAD exomes below 0.00001.
gnomAD v4.1: 1 of 1,611,910 alleles (0.000062%); highest among the groups gnomAD compares: Non-Finnish European, 0.000085%; no homozygotes.

Submission:

Ambry Genetics
Classification: Uncertain significance for Hereditary cancer-predisposing syndrome. Last evaluated: 2022-05-31. Review status: criteria provided, single submitter. Criteria: Ambry Variant Classification Scheme 2023. Collection method: clinical testing. Allele origin: germline.
Comment: The p.G802E variant (also known as c.2405G>A), located in coding exon 23 of the RB1 gene, results from a G to A substitution at nucleotide position 2405. The glycine at codon 802 is replaced by glutamic acid, an amino acid with similar properties. This amino acid position is conserved. In addition, the in silico prediction for this alteration is inconclusive. Since supporting evidence is limited at this time, the clinical significance of this alteration remains unclear.

NM_000321.3(RB1):c.2405G>A (p.Gly802Glu)

Gene: RB1 (RB transcriptional corepressor 1; plus strand). Cytogenetic location: 13q14.2.
Variant type: single nucleotide variant.
Coding change: c.2405G>A on transcript NM_000321.3 (MANE Select); coding-DNA position 2405, G replaced by A.
Protein change: p.Gly802Glu; replaces glycine 802 with glutamic acid.
Molecular consequence: missense variant.
Genome position (GRCh38, 1-based): chr13:48,465,284, G>A. VCF-style: chr13-48465284-G-A. GRCh37 (hg19) VCF-style: chr13-49039420-G-A.
Other names: c.2405G>A, p.Gly802Glu (NM_001407165.1); short protein forms G802E.
Identifiers: ClinVar variation 1790787 (VCV001790787.2), dbSNP rs2138345831, ClinGen allele CA388167910.